The following is an entry in ClinVar:

ClinVar aggregate classification (germline): Benign/Likely benign. Review status: criteria provided, multiple submitters, no conflicts (2 of 4 stars). 7 submissions from 7 submitters: Benign (5); Likely benign (2). Last evaluated 2026-04-04.

Conditions:
TSC2-related disorder. Also called: TSC2-related condition; TSC2-Related Disorders.
Hereditary cancer-predisposing syndrome. Also called: Neoplastic Syndromes, Hereditary; Tumor predisposition; Hereditary Cancer Syndrome; Hereditary neoplastic syndrome. Identifiers: Orphanet 140162, MedGen C0027672, MeSH D009386, MONDO:0015356.
Tuberous sclerosis syndrome (TSC). Also called: Tuberous Sclerosis Complex; Tuberous sclerosis. Identifiers: Orphanet 805, MedGen C0041341, MONDO:0001734.
Tuberous sclerosis 2 (TSC2). Identifiers: Orphanet 805, MedGen C1860707, MONDO:0013199, OMIM 613254.

Allele frequency attached by ClinVar (database versions not stated): gnomAD exomes 0.00003; gnomAD 0.00013 and 0.00014; TOPMed 0.00019.
gnomAD v4.1: 52 of 1,549,312 alleles (0.0034%); highest among the groups gnomAD compares: African/African-American, 0.047%; no homozygotes.

Submissions (7):

PreventionGenetics, part of Exact Sciences
Classification: Likely benign for TSC2-related condition. Last evaluated: 2026-04-04. Review status: criteria provided, single submitter. Criteria: ACMG Guidelines, 2015. Collection method: clinical testing. Allele origin: germline.
Comment: This variant is classified as likely benign based on ACMG/AMP sequence variant interpretation guidelines (Richards et al. 2015 PMID: 25741868, with internal and published modifications).

Labcorp Genetics (formerly Invitae), Labcorp
Classification: Benign for Tuberous sclerosis 2. Last evaluated: 2026-01-27. Review status: criteria provided, single submitter. Criteria: Invitae Variant Classification Sherloc (09022015). Collection method: clinical testing. Allele origin: germline.

Myriad Genetics, Inc.
Classification: Benign for Tuberous sclerosis 2. Last evaluated: 2024-09-05. Review status: criteria provided, single submitter. Criteria: Myriad Autosomal Dominant, Autosomal Recessive and X-Linked Classification Criteria (2023). Collection method: clinical testing. Allele origin: unknown.
Comment: This variant is considered benign. This variant is intronic and is not expected to impact mRNA splicing. This variant has been observed at a population frequency that is significantly greater than expected given the associated disease prevalence and penetrance.

Color Diagnostics, LLC DBA Color Health
Classification: Benign for Tuberous sclerosis syndrome. Last evaluated: 2022-11-08. Review status: criteria provided, single submitter. Criteria: ACMG Guidelines, 2015. Collection method: clinical testing. Allele origin: germline.

Genome-Nilou Lab
Classification: Benign for Tuberous sclerosis 2. Last evaluated: 2021-11-07. Review status: criteria provided, single submitter. Criteria: ACMG Guidelines, 2015. Collection method: clinical testing. Allele origin: germline. Affected: no.

GeneDx
Classification: Likely benign. Last evaluated: 2021-09-10. Review status: criteria provided, single submitter. Criteria: GeneDx Variant Classification Process June 2021. Collection method: clinical testing. Allele origin: germline. Affected: yes.

Sema4
Classification: Benign for Hereditary cancer-predisposing syndrome. Last evaluated: 2021-02-23. Review status: criteria provided, single submitter. Criteria: Sema4 Curation Guidelines. Collection method: curation. Allele origin: germline.

NM_000548.5(TSC2):c.1362-10C>T

Gene: TSC2 (TSC complex subunit 2; plus strand). Cytogenetic location: 16p13.3.
Variant type: single nucleotide variant.
Coding change: c.1362-10C>T on transcript NM_000548.5 (MANE Select); 10 bases into the intron before coding-DNA position 1362, C replaced by T.
Molecular consequence: intron variant.
Genome position (GRCh38, 1-based): chr16:2,062,962, C>T. VCF-style: chr16-2062962-C-T. GRCh37 (hg19) VCF-style: chr16-2112963-C-T.
Other names: c.1362-10C>T (NM_001114382.3, NM_021055.3, NM_001370405.1 and 4 more transcripts); c.1251-10C>T (NM_001318827.2); c.762-10C>T (NM_001318831.2); c.1215-10C>T (NM_001318829.2); c.1395-10C>T (NM_001318832.2).
Identifiers: ClinVar variation 389376 (VCV000389376.19), dbSNP rs45446697, ClinGen allele CA16608033.